The following is an entry in ClinVar:

NM_003809.3(TNFSF12):c.203C>G (p.Pro68Arg)

Genes: TNFSF12 (TNF superfamily member 12; plus strand), TNFSF12-TNFSF13 (TNFSF12-TNFSF13 readthrough; plus strand). Cytogenetic location: 17p13.1.
Variant type: single nucleotide variant.
Coding change: c.203C>G on transcript NM_003809.3 (MANE Select); coding-DNA position 203, C replaced by G.
Protein change: p.Pro68Arg; replaces proline 68 with arginine.
Molecular consequence: missense variant. On other transcripts: non-coding transcript variant (1).
Genome position (GRCh38, 1-based): chr17:7,549,517, C>G. VCF-style: chr17-7549517-C-G. GRCh37 (hg19) VCF-style: chr17-7452834-C-G.
Other names: c.203C>G, p.Pro68Arg (NM_172089.4); short protein forms P68R.
Identifiers: ClinVar variation 4761262 (VCV004761262.1).

ClinVar aggregate classification (germline): Uncertain significance (1 of 4 stars; one submission).

Conditions:
Common variable immunodeficiency (CVID). Also called: Common variable hypogamma-globulinemia; Common variable agammaglobulinemia. Identifiers: Orphanet 1572, MedGen C0009447, MONDO:0015517.

gnomAD v4.1: 3 of 1,550,528 alleles (0.00019%); highest among the groups gnomAD compares: East Asian, 0.0024%; no homozygotes.

Submission:

Labcorp Genetics (formerly Invitae), Labcorp
Classification: Uncertain significance for Common variable immunodeficiency. Last evaluated: 2025-12-09. Review status: criteria provided, single submitter. Criteria: Invitae Variant Classification Sherloc (09022015). Collection method: clinical testing. Allele origin: germline.
Comment: This sequence change replaces proline, which is neutral and non-polar, with arginine, which is basic and polar, at codon 68 of the TNFSF12 protein (p.Pro68Arg). This variant is not present in population databases (gnomAD no frequency). This variant has not been reported in the literature in individuals affected with TNFSF12-related conditions. An algorithm developed to predict the effect of missense changes on protein structure and function (PolyPhen-2) suggests that this variant is likely to be disruptive. In summary, the available evidence is currently insufficient to determine the role of this variant in disease. Therefore, it has been classified as a Variant of Uncertain Significance.